The following is an entry in ClinVar:

NM_005045.4(RELN):c.1225G>A (p.Val409Ile)

Gene: RELN (reelin; minus strand). Cytogenetic location: 7q22.1.
Variant type: single nucleotide variant.
Coding change: c.1225G>A on transcript NM_005045.4 (MANE Select); coding-DNA position 1225, G replaced by A.
Protein change: p.Val409Ile; replaces valine 409 with isoleucine.
Molecular consequence: missense variant.
Genome position (GRCh38, 1-based): chr7:103,682,180, C>T on the plus strand (G>A on the coding strand, the complement: RELN is on the minus strand). VCF-style: chr7-103682180-C-T. GRCh37 (hg19) VCF-style: chr7-103322627-C-T.
Other names: c.1225G>A, p.Val409Ile (NM_173054.3); short protein forms V409I.
Identifiers: ClinVar variation 1003953 (VCV001003953.8), dbSNP rs1833667563, ClinGen allele CA368926360.

ClinVar aggregate classification (germline): Uncertain significance (1 of 4 stars; one submission).

Conditions:
Familial temporal lobe epilepsy 7. Identifiers: Orphanet 101046, MedGen C4225327, MONDO:0014639, OMIM 616436.
Norman-Roberts syndrome (LIS2). Also called: Lissencephaly 2 (Norman-Roberts type). Identifiers: Orphanet 89844, MedGen C0796089, MONDO:0009760, OMIM 257320.

Allele frequency attached by ClinVar (database versions not stated): TOPMed 0.00001.

Submission:

Labcorp Genetics (formerly Invitae), Labcorp
Classification: Uncertain significance for Familial temporal lobe epilepsy 7; Norman-Roberts syndrome. Last evaluated: 2022-03-19. Review status: criteria provided, single submitter. Criteria: Invitae Variant Classification Sherloc (09022015). Collection method: clinical testing. Allele origin: germline.
Comment: This variant has not been reported in the literature in individuals affected with RELN-related conditions. ClinVar contains an entry for this variant (Variation ID: 1003953). Algorithms developed to predict the effect of missense changes on protein structure and function output the following: SIFT: "Tolerated"; PolyPhen-2: "Benign"; Align-GVGD: "Class C0". The isoleucine amino acid residue is found in multiple mammalian species, which suggests that this missense change does not adversely affect protein function. In summary, the available evidence is currently insufficient to determine the role of this variant in disease. Therefore, it has been classified as a Variant of Uncertain Significance. This variant is not present in population databases (gnomAD no frequency). This sequence change replaces valine, which is neutral and non-polar, with isoleucine, which is neutral and non-polar, at codon 409 of the RELN protein (p.Val409Ile).